The following is an entry in ClinVar:

NM_006186.4(NR4A2):c.1508T>C (p.Phe503Ser)

Gene: NR4A2 (nuclear receptor subfamily 4 group A member 2; minus strand). Cytogenetic location: 2q24.1.
Variant type: single nucleotide variant.
Coding change: c.1508T>C on transcript NM_006186.4 (MANE Select); coding-DNA position 1508, T replaced by C.
Protein change: p.Phe503Ser; replaces phenylalanine 503 with serine.
Molecular consequence: missense variant.
Genome position (GRCh38, 1-based): chr2:156,326,182, A>G on the plus strand (T>C on the coding strand, the complement: NR4A2 is on the minus strand). VCF-style: chr2-156326182-A-G. GRCh37 (hg19) VCF-style: chr2-157182694-A-G.
Other names: c.1319T>C, p.Phe440Ser (NM_173173.3); short protein forms F440S, F503S.
Identifiers: ClinVar variation 3907874 (VCV003907874.1).

ClinVar aggregate classification (germline): Uncertain significance (1 of 4 stars; one submission).

Submission:

GeneDx
Classification: Uncertain significance. Last evaluated: 2024-12-22. Review status: criteria provided, single submitter. Criteria: GeneDx Variant Classification Process June 2021. Collection method: clinical testing. Allele origin: germline. Affected: yes.
Comment: Not observed at significant frequency in large population cohorts (gnomAD); In silico analysis supports that this missense variant has a deleterious effect on protein structure/function; Has not been previously published as pathogenic or benign to our knowledge